The following is an entry in ClinVar:

NM_144687.4(NLRP12):c.2754G>C (p.Leu918=)

Gene: NLRP12 (NLR family pyrin domain containing 12; minus strand). Cytogenetic location: 19q13.42.
Variant type: single nucleotide variant.
Coding change: c.2754G>C on transcript NM_144687.4 (MANE Select); coding-DNA position 2754, G replaced by C.
Protein change: p.Leu918=; no amino-acid change (leucine 918 retained).
Molecular consequence: synonymous variant.
Genome position (GRCh38, 1-based): chr19:53,801,229, C>G on the plus strand (G>C on the coding strand, the complement: NLRP12 is on the minus strand). VCF-style: chr19-53801229-C-G. GRCh37 (hg19) VCF-style: chr19-54304483-C-G.
Other names: p.Leu918=; c.2757G>C, p.Leu919= (NM_001277126.2); c.2754G>C, p.Leu918= (NM_001277129.1).
Identifiers: ClinVar variation 330011 (VCV000330011.31), dbSNP rs61741347, ClinGen allele CA9638941.

ClinVar aggregate classification (germline): Benign/Likely benign. Review status: criteria provided, multiple submitters, no conflicts (2 of 4 stars). 8 submissions from 8 submitters: Benign (6); Likely benign (1). 1 of the submissions does not count toward it. Last evaluated 2026-01-23.

Conditions:
NLRP12-related disorder. Also called: NLRP12-related condition; NLRP12-related conditions.
Autoinflammatory syndrome. Identifiers: Orphanet 93665, MedGen C3890737, MONDO:0019751.
Familial cold autoinflammatory syndrome 2 (FCAS2). Identifiers: Orphanet 247868, MedGen C2673198, MONDO:0012724, OMIM 611762.

Allele frequency attached by ClinVar (database versions not stated): gnomAD exomes 0.00163; ExAC 0.00206; ESP Exome Variant Server 0.00630; gnomAD 0.00644 and 0.00692; 1000 Genomes Project 0.00679; 1000 Genomes Project 30x 0.00750.
gnomAD v4.1: 1,944 of 1,613,836 alleles (0.12%); highest among the groups gnomAD compares: African/African-American, 2.1%; 25 homozygotes.

Submissions (8):

Women's Health and Genetics/Laboratory Corporation of America, LabCorp
Classification: Benign. Last evaluated: 2026-01-23. Review status: criteria provided, single submitter. Criteria: LabCorp Variant Classification Summary - May 2015. Collection method: clinical testing. Allele origin: germline.

Labcorp Genetics (formerly Invitae), Labcorp
Classification: Benign for Familial cold autoinflammatory syndrome 2. Last evaluated: 2026-01-22. Review status: criteria provided, single submitter. Criteria: Invitae Variant Classification Sherloc (09022015). Collection method: clinical testing. Allele origin: germline.

Mayo Clinic Laboratories, Mayo Clinic
Classification: Benign. Last evaluated: 2025-09-03. Review status: criteria provided, single submitter. Criteria: ACMG Guidelines, 2015. Collection method: clinical testing. Allele origin: germline. Observed: 1 variant allele.
Comment: BS1, BS2, BP4, BP7

ARUP Laboratories, Molecular Genetics and Genomics, ARUP Laboratories
Classification: Benign for Familial cold autoinflammatory syndrome 2. Last evaluated: 2021-09-18. Review status: criteria provided, single submitter. Criteria: ARUP Molecular Germline Variant Investigation Process 2021. Collection method: clinical testing. Allele origin: germline.

Genome Diagnostics Laboratory, The Hospital for Sick Children
Classification: Likely benign for Autoinflammatory syndrome. Last evaluated: 2020-11-16. Review status: criteria provided, single submitter. Criteria: ACMG Guidelines, 2015. Collection method: clinical testing. Allele origin: germline. Affected: yes.

Illumina Laboratory Services, Illumina
Classification: Benign for Familial cold autoinflammatory syndrome 2. Last evaluated: 2018-01-13. Review status: criteria provided, single submitter. Criteria: ICSL Variant Classification Criteria 13 December 2019. Collection method: clinical testing. Allele origin: germline.
Comment: This variant was observed in the ICSL laboratory as part of a predisposition screen in an ostensibly healthy population. It had not been previously curated by ICSL or reported in the Human Gene Mutation Database (HGMD: prior to June 1st, 2018), and was therefore a candidate for classification through an automated scoring system. Utilizing variant allele frequency, disease prevalence and penetrance estimates, and inheritance mode, an automated score was calculated to assess if this variant is too frequent to cause the disease. Based on the score and internal cut-off values, a variant classified as benign is not then subjected to further curation. The score for this variant resulted in a classification of benign for this disease.

Breakthrough Genomics
Classification: Benign. Review status: criteria provided, single submitter. Criteria: ACMG Guidelines, 2015. Collection method: not provided. Allele origin: germline. Inheritance: Autosomal dominant inheritance. Affected: yes.

PreventionGenetics, part of Exact Sciences
Classification: Benign for NLRP12-related condition. Last evaluated: 2019-05-01. Review status: no assertion criteria provided. Collection method: clinical testing. Allele origin: germline. Not counted in ClinVar's aggregate classification.
Comment: This variant is classified as benign based on ACMG/AMP sequence variant interpretation guidelines (Richards et al. 2015 PMID: 25741868, with internal and published modifications).